The following is an entry in ClinVar:

NM_001042492.3(NF1):c.8514C>G (p.Ile2838Met)

Gene: NF1 (neurofibromin 1; plus strand). Cytogenetic location: 17q11.2.
Variant type: single nucleotide variant.
Coding change: c.8514C>G on transcript NM_001042492.3 (MANE Select); coding-DNA position 8514, C replaced by G.
Protein change: p.Ile2838Met; replaces isoleucine 2838 with methionine.
Molecular consequence: missense variant.
Genome position (GRCh38, 1-based): chr17:31,374,149, C>G. VCF-style: chr17-31374149-C-G. GRCh37 (hg19) VCF-style: chr17-29701167-C-G.
Other names: c.8451C>G, p.Ile2817Met (NM_000267.4); short protein forms I2838M, I2817M.
Identifiers: ClinVar variation 584541 (VCV000584541.7), dbSNP rs1567634589, ClinGen allele CA399206145.

ClinVar aggregate classification (germline): Uncertain significance. Review status: criteria provided, multiple submitters, no conflicts (2 of 4 stars). 2 submissions from 2 submitters: Uncertain significance (2). Last evaluated 2025-01-22.

Conditions:
Hereditary cancer-predisposing syndrome. Also called: Neoplastic Syndromes, Hereditary; Hereditary Cancer Syndrome; Tumor predisposition; Hereditary neoplastic syndrome. Identifiers: Orphanet 140162, MedGen C0027672, MeSH D009386, MONDO:0015356.
Neurofibromatosis, type 1 (NF1). Also called: Peripheral type neurofibromatosis; VON RECKLINGHAUSEN DISEASE; NEUROFIBROMATOSIS, TYPE I, SOMATIC; Neurofibromatosis, type I. Identifiers: Orphanet 636, MedGen C0027831, MONDO:0018975, OMIM 162200. Disease mechanism: loss of function.

Submissions (2):

Labcorp Genetics (formerly Invitae), Labcorp
Classification: Uncertain significance for Neurofibromatosis, type 1. Last evaluated: 2025-01-22. Review status: criteria provided, single submitter. Criteria: Invitae Variant Classification Sherloc (09022015). Collection method: clinical testing. Allele origin: germline.
Comment: This sequence change replaces isoleucine, which is neutral and non-polar, with methionine, which is neutral and non-polar, at codon 2817 of the NF1 protein (p.Ile2817Met). This variant is not present in population databases (gnomAD no frequency). This variant has not been reported in the literature in individuals affected with NF1-related conditions. ClinVar contains an entry for this variant (Variation ID: 584541). Invitae Evidence Modeling of protein sequence and biophysical properties (such as structural, functional, and spatial information, amino acid conservation, physicochemical variation, residue mobility, and thermodynamic stability) indicates that this missense variant is not expected to disrupt NF1 protein function with a negative predictive value of 95%. In summary, the available evidence is currently insufficient to determine the role of this variant in disease. Therefore, it has been classified as a Variant of Uncertain Significance.

GeneKor MSA
Classification: Uncertain significance for Hereditary cancer-predisposing syndrome. Last evaluated: 2018-08-01. Review status: criteria provided, single submitter. Criteria: ACMG Guidelines, 2015. Collection method: clinical testing. Allele origin: germline. Affected: yes.